The following is an entry in ClinVar:

NM_001035.3(RYR2):c.8591-9T>C

Gene: RYR2 (ryanodine receptor 2; plus strand). Cytogenetic location: 1q43.
Variant type: single nucleotide variant.
Coding change: c.8591-9T>C on transcript NM_001035.3 (MANE Select); 9 bases into the intron before coding-DNA position 8591, T replaced by C.
Molecular consequence: intron variant.
Genome position (GRCh38, 1-based): chr1:237,674,087, T>C. VCF-style: chr1-237674087-T-C. GRCh37 (hg19) VCF-style: chr1-237837387-T-C.
Identifiers: ClinVar variation 3385799 (VCV003385799.1).

ClinVar aggregate classification (germline): Likely benign (1 of 4 stars; one submission).

Conditions:
Catecholaminergic polymorphic ventricular tachycardia (CVPT). Also called: Catecholamine-induced polymorphic ventricular tachycardia. Identifiers: Orphanet 3286, MedGen C5574922, MONDO:0017990.

Submission:

All of Us Research Program, National Institutes of Health
Classification: Likely benign for Catecholaminergic polymorphic ventricular tachycardia. Last evaluated: 2024-07-20. Review status: criteria provided, single submitter. Criteria: ACMG Guidelines, 2015. Collection method: clinical testing. Allele origin: germline. Inheritance: Autosomal dominant inheritance. Observed: 1 variant allele, 1 heterozygote.
Comment: This study involves interpretation of variants in research participants for the purpose of population health screening. Participant phenotype was not available at the time of variant classification. Additional details can be found in publication PMID: 35346344, PMCID: PMC8962531